The following is an entry in ClinVar:

ClinVar aggregate classification (germline): Pathogenic (1 of 4 stars; one submission).

Submission:

Labcorp Genetics (formerly Invitae), Labcorp
Classification: Pathogenic. Last evaluated: 2020-10-20. Review status: criteria provided, single submitter. Criteria: Invitae Variant Classification Sherloc (09022015). Collection method: clinical testing. Allele origin: germline.
Comment: For these reasons, this variant has been classified as Pathogenic. This variant disrupts the p.Cys1476 amino acid residue in COL4A5. Other variant(s) that disrupt this residue have been observed in individuals with COL4A5-related conditions (PMID: 22921432), which suggests that this may be a clinically significant amino acid residue. Advanced modeling of protein sequence and biophysical properties (such as structural, functional, and spatial information, amino acid conservation, physicochemical variation, residue mobility, and thermodynamic stability) performed at Invitae indicates that this missense variant is expected to disrupt COL4A5 protein function. This variant has been observed in individual(s) with clinical features of Alport syndrome (Invitae). In at least one individual the variant was observed to be de novo. This variant is not present in population databases (ExAC no frequency). This sequence change replaces cysteine with tryptophan at codon 1476 of the COL4A5 protein (p.Cys1476Trp). The cysteine residue is highly conserved and there is a large physicochemical difference between cysteine and tryptophan.

Literature cited by the submitters: PubMed 22921432.

NM_033380.3(COL4A5):c.4446C>G (p.Cys1482Trp)

Gene: COL4A5 (collagen type IV alpha 5 chain; plus strand). Cytogenetic location: Xq22.3.
Variant type: single nucleotide variant.
Coding change: c.4446C>G on transcript NM_033380.3 (MANE Select); coding-DNA position 4446, C replaced by G.
Protein change: p.Cys1482Trp; replaces cysteine 1482 with tryptophan.
Molecular consequence: missense variant.
Genome position (GRCh38, 1-based): chrX:108,687,612, C>G. VCF-style: chrX-108687612-C-G. GRCh37 (hg19) VCF-style: chrX-107930842-C-G.
Other names: c.4428C>G, p.Cys1476Trp (NM_000495.5); short protein forms C1476W, C1482W.
Identifiers: ClinVar variation 1074048 (VCV001074048.9), dbSNP rs2147991488, ClinGen allele CA413854441.
Genomic context (GRCh38, chrX:108,687,612, plus strand): 5'-CTCTGTTGCACATGGATTTCTTATTACACGCCACAGCCAGACAACGGATGCACCACAATG[C>G]CCACAGGGAACACTTCAGGTCTATGAAGGCTTTTCTCTCCTGTATGTACAAGGAAATAAA-3'
Protein context (NP_203699.1, residues 1472-1492): RHSQTTDAPQ[Cys1482Trp]PQGTLQVYEG